The following is an entry in ClinVar:

ClinVar aggregate classification (germline): Uncertain significance (1 of 4 stars; one submission).

Allele frequency attached by ClinVar (database versions not stated): TOPMed 0.00002; gnomAD 0.00003; ESP Exome Variant Server 0.00008.
gnomAD v4.1: 5 of 1,604,208 alleles (0.00031%); highest among the groups gnomAD compares: African/African-American, 0.0054%; no homozygotes.

Submission:

Labcorp Genetics (formerly Invitae), Labcorp
Classification: Uncertain significance. Last evaluated: 2024-05-14. Review status: criteria provided, single submitter. Criteria: Invitae Variant Classification Sherloc (09022015). Collection method: clinical testing. Allele origin: germline.
Comment: This sequence change replaces serine, which is neutral and polar, with threonine, which is neutral and polar, at codon 722 of the ADGRE2 protein (p.Ser722Thr). This variant is present in population databases (rs377535059, gnomAD 0.03%). This variant has not been reported in the literature in individuals affected with ADGRE2-related conditions. ClinVar contains an entry for this variant (Variation ID: 1970119). An algorithm developed to predict the effect of missense changes on protein structure and function (PolyPhen-2) suggests that this variant is likely to be disruptive. In summary, the available evidence is currently insufficient to determine the role of this variant in disease. Therefore, it has been classified as a Variant of Uncertain Significance.

NM_013447.4(ADGRE2):c.2164T>A (p.Ser722Thr)

Gene: ADGRE2 (adhesion G protein-coupled receptor E2; minus strand). Cytogenetic location: 19p13.12.
Variant type: single nucleotide variant.
Coding change: c.2164T>A on transcript NM_013447.4 (MANE Select); coding-DNA position 2164, T replaced by A.
Protein change: p.Ser722Thr; replaces serine 722 with threonine.
Molecular consequence: missense variant.
Genome position (GRCh38, 1-based): chr19:14,746,251, A>T on the plus strand (T>A on the coding strand, the complement: ADGRE2 is on the minus strand). VCF-style: chr19-14746251-A-T. GRCh37 (hg19) VCF-style: chr19-14857063-A-T.
Other names: c.1990T>A, p.Ser664Thr (NM_001271052.1); c.2017T>A, p.Ser673Thr (NM_152916.2); c.1885T>A, p.Ser629Thr (NM_152917.2); short protein forms S664T, S629T, S673T, S722T.
Identifiers: ClinVar variation 1970119 (VCV001970119.5), dbSNP rs377535059, ClinGen allele CA305693239.